The following is an entry in ClinVar:

ClinVar aggregate classification (germline): Uncertain significance (1 of 4 stars; one submission).

Allele frequency attached by ClinVar (database versions not stated): gnomAD exomes below 0.00001.
gnomAD v4.1: 1 of 1,613,656 alleles (0.000062%); highest among the groups gnomAD compares: Non-Finnish European, 0.000085%; no homozygotes.

Submission:

CeGaT Center for Human Genetics Tuebingen
Classification: Uncertain significance. Last evaluated: 2022-09-01. Review status: criteria provided, single submitter. Criteria: CeGaT Center For Human Genetics Tuebingen Variant Classification Criteria Version 2. Collection method: clinical testing. Allele origin: germline. Affected: yes. Observed: 1 variant allele.
Comment: MTOR: PM2:Supporting, BP4

NM_004958.4(MTOR):c.1542C>T (p.Ser514=)

Gene: MTOR (mechanistic target of rapamycin kinase; minus strand). Cytogenetic location: 1p36.22.
Variant type: single nucleotide variant.
Coding change: c.1542C>T on transcript NM_004958.4 (MANE Select); coding-DNA position 1542, C replaced by T.
Protein change: p.Ser514=; no amino-acid change (serine 514 retained).
Molecular consequence: synonymous variant.
Genome position (GRCh38, 1-based): chr1:11,240,547, G>A on the plus strand (C>T on the coding strand, the complement: MTOR is on the minus strand). VCF-style: chr1-11240547-G-A. GRCh37 (hg19) VCF-style: chr1-11300604-G-A.
Other names: c.1542C>T, p.Ser514= (NM_001386500.1); c.294C>T, p.Ser98= (NM_001386501.1).
Identifiers: ClinVar variation 2638231 (VCV002638231.24), dbSNP rs2100910557, ClinGen allele CA415923916.
Genomic context (GRCh38, chr1:11,240,547, plus strand): 5'-GTCCTTCTTTAGCTGTGGAATCTGACGGCTCAGGTCGTAGAGCACTGCAGTGAGGGCAGG[G>A]CTGAGGGGAAGGAAACAAGTCACATAAGGGCTGGGCACATGACACTCAGTCTGTTCTTGG-3'
Protein context (NP_004949.1, residues 504-524): LLEPMLAVGL[Ser514=]PALTAVLYDL